The following is an entry in ClinVar:

NM_012200.4(B3GAT3):c.602G>A (p.Arg201Gln)

Gene: B3GAT3 (beta-1,3-glucuronyltransferase 3; minus strand). Cytogenetic location: 11q12.3.
Variant type: single nucleotide variant.
Coding change: c.602G>A on transcript NM_012200.4 (MANE Select); coding-DNA position 602, G replaced by A.
Protein change: p.Arg201Gln; replaces arginine 201 with glutamine.
Molecular consequence: missense variant. On other transcripts: non-coding transcript variant (1).
Genome position (GRCh38, 1-based): chr11:62,617,003, C>T on the plus strand (G>A on the coding strand, the complement: B3GAT3 is on the minus strand). VCF-style: chr11-62617003-C-T. GRCh37 (hg19) VCF-style: chr11-62384475-C-T.
Other names: c.581G>A, p.Arg194Gln (NM_001288721.2); c.602G>A, p.Arg201Gln (NM_001288722.2, NM_001288723.2); short protein forms R194Q, R201Q.
Identifiers: ClinVar variation 3602530 (VCV003602530.2).

ClinVar aggregate classification (germline): Uncertain significance. Review status: criteria provided, multiple submitters, no conflicts (2 of 4 stars). 2 submissions from 2 submitters: Uncertain significance (2). Last evaluated 2025-04-20.

Conditions:
Inborn genetic diseases. Identifiers: MedGen C0950123, MeSH D030342.

Submissions (2):

Ambry Genetics
Classification: Uncertain significance for Inborn genetic diseases. Last evaluated: 2025-04-20. Review status: criteria provided, single submitter. Criteria: Ambry Variant Classification Scheme 2023. Collection method: clinical testing. Allele origin: germline.

GeneDx
Classification: Uncertain significance. Last evaluated: 2024-07-31. Review status: criteria provided, single submitter. Criteria: GeneDx Variant Classification Process June 2021. Collection method: clinical testing. Allele origin: germline. Affected: yes.
Comment: Not observed at significant frequency in large population cohorts (gnomAD); In silico analysis indicates that this missense variant does not alter protein structure/function; Has not been previously published as pathogenic or benign to our knowledge